The following is an entry in ClinVar:

ClinVar aggregate classification (germline): Likely pathogenic (1 of 4 stars; one submission).

Conditions:
Developmental and epileptic encephalopathy, 11 (DEE11). Also called: Early infantile epileptic encephalopathy 11. Identifiers: Orphanet 1934, MedGen C3150987, MONDO:0013388, OMIM 613721.
Seizures, benign familial infantile, 3 (BFIS3). Also called: CONVULSIONS, BENIGN FAMILIAL INFANTILE, 3; Familial neonatal seizures. Identifiers: Orphanet 140927, Orphanet 306, MedGen C1843140, MONDO:0011904, OMIM 607745.

Allele frequency attached by ClinVar (database versions not stated): gnomAD exomes below 0.00001 and 0.00002; TOPMed 0.00001.
gnomAD v4.1: 35 of 1,613,570 alleles (0.0022%); highest among the groups gnomAD compares: Non-Finnish European, 0.003%; no homozygotes.

Submission:

Labcorp Genetics (formerly Invitae), Labcorp
Classification: Likely pathogenic for Seizures, benign familial infantile, 3; Developmental and epileptic encephalopathy, 11. Last evaluated: 2024-02-05. Review status: criteria provided, single submitter. Criteria: Invitae Variant Classification Sherloc (09022015). Collection method: clinical testing. Allele origin: germline.
Comment: This sequence change replaces isoleucine, which is neutral and non-polar, with asparagine, which is neutral and polar, at codon 1346 of the SCN2A protein (p.Ile1346Asn). This variant is present in population databases (no rsID available, gnomAD 0.0009%). This variant has not been reported in the literature in individuals affected with SCN2A-related conditions. ClinVar contains an entry for this variant (Variation ID: 464909). Advanced modeling of protein sequence and biophysical properties (such as structural, functional, and spatial information, amino acid conservation, physicochemical variation, residue mobility, and thermodynamic stability) performed at Invitae indicates that this missense variant is expected to disrupt SCN2A protein function with a positive predictive value of 95%. This variant disrupts the p.Ile1346 amino acid residue in SCN2A. Other variant(s) that disrupt this residue have been determined to be pathogenic (PMID: 29655203; Invitae). This suggests that this residue is clinically significant, and that variants that disrupt this residue are likely to be disease-causing. In summary, the currently available evidence indicates that the variant is pathogenic, but additional data are needed to prove that conclusively. Therefore, this variant has been classified as Likely Pathogenic.

Literature cited by the submitters: PubMed 29655203.

NM_001040142.2(SCN2A):c.4037T>A (p.Ile1346Asn)

Gene: SCN2A (sodium voltage-gated channel alpha subunit 2; plus strand). Cytogenetic location: 2q24.3.
Variant type: single nucleotide variant.
Coding change: c.4037T>A on transcript NM_001040142.2 (MANE Select); coding-DNA position 4037, T replaced by A.
Protein change: p.Ile1346Asn; replaces isoleucine 1346 with asparagine.
Molecular consequence: missense variant.
Genome position (GRCh38, 1-based): chr2:165,374,749, T>A. VCF-style: chr2-165374749-T-A. GRCh37 (hg19) VCF-style: chr2-166231259-T-A.
Other names: c.4037T>A, p.Ile1346Asn (NM_001040143.2, NM_001371246.1, NM_001371247.1 and 1 more transcripts); short protein forms I1346N.
Identifiers: ClinVar variation 464909 (VCV000464909.7), dbSNP rs1483179196, ClinGen allele CA349030373.